The following is an entry in ClinVar:

NM_000138.5(FBN1):c.3209-13T>A

Gene: FBN1 (fibrillin 1; minus strand). Cytogenetic location: 15q21.1.
Variant type: single nucleotide variant.
Coding change: c.3209-13T>A on transcript NM_000138.5 (MANE Select); 13 bases into the intron before coding-DNA position 3209, T replaced by A.
Molecular consequence: intron variant.
Genome position (GRCh38, 1-based): chr15:48,488,254, A>T on the plus strand (T>A on the coding strand, the complement: FBN1 is on the minus strand). VCF-style: chr15-48488254-A-T. GRCh37 (hg19) VCF-style: chr15-48780451-A-T.
Identifiers: ClinVar variation 495586 (VCV000495586.1), dbSNP rs1555398650, ClinGen allele CA658683894.

ClinVar aggregate classification (germline): Uncertain significance (1 of 4 stars; one submission).

Submission:

Women's Health and Genetics/Laboratory Corporation of America, LabCorp
Classification: Uncertain significance. Last evaluated: 2017-06-14. Review status: criteria provided, single submitter. Criteria: LabCorp Variant Classification Summary - May 2015. Collection method: clinical testing. Allele origin: germline.
Comment: Variant summary: The FBN1 c.3209-13T>A variant involves the alteration of a conserved intronic nucleotide 5/5 splice prediction tools predict an impact on normal splicing by the creation of a cryptic splice acceptor site. However, these predictions have yet to be confirmed by functional studies. This variant is absent in 121366 control chromosomes (ExAC). The variant of interest has not, to our knowledge, been reported in affected individuals via publications and/or reputable databases/clinical diagnostic laboratories; nor evaluated for functional impact by in vivo/vitro studies. Because of the absence of clinical information and the lack of functional studies, the variant is classified as a "Variant of Uncertain Significance (VUS)," until additional information becomes available.